The following is an entry in ClinVar:

ClinVar aggregate classification (germline): Uncertain significance (1 of 4 stars; one submission).

gnomAD v4.1: 1 of 1,613,458 alleles (0.000062%); highest among the groups gnomAD compares: Non-Finnish European, 0.000085%; no homozygotes.

Submission:

Labcorp Genetics (formerly Invitae), Labcorp
Classification: Uncertain significance. Last evaluated: 2022-10-28. Review status: criteria provided, single submitter. Criteria: Invitae Variant Classification Sherloc (09022015). Collection method: clinical testing. Allele origin: germline.
Comment: In summary, the available evidence is currently insufficient to determine the role of this variant in disease. Therefore, it has been classified as a Variant of Uncertain Significance. Algorithms developed to predict the effect of missense changes on protein structure and function are either unavailable or do not agree on the potential impact of this missense change (SIFT: "Deleterious"; PolyPhen-2: "Not Available"; Align-GVGD: "Class C0"). ClinVar contains an entry for this variant (Variation ID: 1522842). This variant has not been reported in the literature in individuals affected with PCLO-related conditions. This variant is not present in population databases (gnomAD no frequency). This sequence change replaces leucine, which is neutral and non-polar, with methionine, which is neutral and non-polar, at codon 3970 of the PCLO protein (p.Leu3970Met).

NM_033026.6(PCLO):c.11908T>A (p.Leu3970Met)

Gene: PCLO (piccolo presynaptic cytomatrix protein; minus strand). Cytogenetic location: 7q21.11.
Variant type: single nucleotide variant.
Coding change: c.11908T>A on transcript NM_033026.6 (MANE Select); coding-DNA position 11908, T replaced by A.
Protein change: p.Leu3970Met; replaces leucine 3970 with methionine.
Molecular consequence: missense variant.
Genome position (GRCh38, 1-based): chr7:82,916,078, A>T on the plus strand (T>A on the coding strand, the complement: PCLO is on the minus strand). VCF-style: chr7-82916078-A-T. GRCh37 (hg19) VCF-style: chr7-82545394-A-T.
Other names: c.11908T>A, p.Leu3970Met (NM_014510.3); short protein forms L3970M.
Identifiers: ClinVar variation 1522842 (VCV001522842.7), dbSNP rs2116270053, ClinGen allele CA367890994.